The following is an entry in ClinVar:

ClinVar aggregate classification (germline): Uncertain significance (1 of 4 stars; one submission).

Conditions:
Hereditary cancer-predisposing syndrome. Also called: Neoplastic Syndromes, Hereditary; Tumor predisposition; Hereditary Cancer Syndrome; Hereditary neoplastic syndrome. Identifiers: Orphanet 140162, MedGen C0027672, MeSH D009386, MONDO:0015356.

Submission:

Ambry Genetics
Classification: Uncertain significance for Hereditary cancer-predisposing syndrome. Last evaluated: 2026-04-02. Review status: criteria provided, single submitter. Criteria: Ambry Variant Classification Scheme 2023. Collection method: clinical testing. Allele origin: germline.
Comment: The p.N209I variant (also known as c.626A>T), located in coding exon 6 of the NBN gene, results from an A to T substitution at nucleotide position 626. The asparagine at codon 209 is replaced by isoleucine, an amino acid with dissimilar properties. This amino acid position is conserved. In addition, this alteration is predicted to be tolerated by in silico analysis. Based on the available evidence, the clinical significance of this variant remains unclear.

NM_002485.5(NBN):c.626A>T (p.Asn209Ile)

Gene: NBN (nibrin; minus strand). Cytogenetic location: 8q21.3.
Variant type: single nucleotide variant.
Coding change: c.626A>T on transcript NM_002485.5 (MANE Select); coding-DNA position 626, A replaced by T.
Protein change: p.Asn209Ile; replaces asparagine 209 with isoleucine.
Molecular consequence: missense variant.
Genome position (GRCh38, 1-based): chr8:89,971,249, T>A on the plus strand (A>T on the coding strand, the complement: NBN is on the minus strand). VCF-style: chr8-89971249-T-A. GRCh37 (hg19) VCF-style: chr8-90983477-T-A.
Other names: c.380A>T, p.Asn127Ile (NM_001024688.3, NM_001440379.1, NM_001440380.1); short protein forms N127I, N209I.
Identifiers: ClinVar variation 4860754 (VCV004860754.1).